The following is an entry in ClinVar:

ClinVar aggregate classification (germline): Uncertain significance (1 of 4 stars; one submission).

Conditions:
Charcot-Marie-Tooth disease type 2. Also called: Charcot-Marie-Tooth type 2. Identifiers: Orphanet 64746, MedGen C0270914, MONDO:0018993.

Submission:

Labcorp Genetics (formerly Invitae), Labcorp
Classification: Uncertain significance for Charcot-Marie-Tooth disease type 2. Last evaluated: 2024-01-04. Review status: criteria provided, single submitter. Criteria: Invitae Variant Classification Sherloc (09022015). Collection method: clinical testing. Allele origin: germline.
Comment: This sequence change replaces threonine, which is neutral and polar, with serine, which is neutral and polar, at codon 19 of the LMNA protein (p.Thr19Ser). This variant is not present in population databases (gnomAD no frequency). This variant has not been reported in the literature in individuals affected with LMNA-related conditions. Advanced modeling of protein sequence and biophysical properties (such as structural, functional, and spatial information, amino acid conservation, physicochemical variation, residue mobility, and thermodynamic stability) performed at Invitae indicates that this missense variant is expected to disrupt LMNA protein function with a positive predictive value of 95%. In summary, the available evidence is currently insufficient to determine the role of this variant in disease. Therefore, it has been classified as a Variant of Uncertain Significance.

NM_170707.4(LMNA):c.55A>T (p.Thr19Ser)

Genes: LMNA (lamin A/C; plus strand), LOC129931597 (ATAC-STARR-seq lymphoblastoid silent region 1421; plus strand). Cytogenetic location: 1q22.
Variant type: single nucleotide variant.
Coding change: c.55A>T on transcript NM_170707.4 (MANE Select); coding-DNA position 55, A replaced by T.
Protein change: p.Thr19Ser; replaces threonine 19 with serine.
Molecular consequence: missense variant. On other transcripts: 5 prime UTR variant (8), intron variant (2).
Genome position (GRCh38, 1-based): chr1:156,114,973, A>T. VCF-style: chr1-156114973-A-T. GRCh37 (hg19) VCF-style: chr1-156084764-A-T.
Other names: c.55A>T, p.Thr19Ser (NM_001282625.2, NM_001282626.2, NM_001406983.1 and 6 more transcripts); c.-369A>T (NM_001406986.1); c.-347A>T (NM_001406990.1, NM_001406995.1, NM_001407002.1); c.-610A>T (NM_001406994.1, NM_001407000.1); c.-790A>T (NM_001406999.1); c.-453A>T (NM_001407001.1); c.-203+8150A>T (NM_001406993.1, NM_001407003.1); short protein forms T19S.
Identifiers: ClinVar variation 2970150 (VCV002970150.3), dbSNP rs2527829852, ClinGen allele CA342807111.